The following is an entry in ClinVar:

ClinVar aggregate classification (germline): Conflicting classifications of pathogenicity. Review status: criteria provided, conflicting classifications (1 of 4 stars). 2 submissions from 2 submitters: Uncertain significance (1); Likely benign (1). Last evaluated 2025-09-13.

Conditions:
Hereditary cancer-predisposing syndrome. Also called: Hereditary Cancer Syndrome; Hereditary neoplastic syndrome; Tumor predisposition; Neoplastic Syndromes, Hereditary. Identifiers: Orphanet 140162, MedGen C0027672, MeSH D009386, MONDO:0015356.
Rhabdoid tumor predisposition syndrome 2 (RTPS2). Identifiers: Orphanet 231108, Orphanet 69077, MedGen C2750074, MONDO:0013224, OMIM 613325.

Allele frequency attached by ClinVar (database versions not stated): gnomAD exomes below 0.00001.
gnomAD v4.1: 1 of 1,575,446 alleles (0.000063%); highest among the groups gnomAD compares: South Asian, 0.0012%; no homozygotes.

Submissions (2):

Labcorp Genetics (formerly Invitae), Labcorp
Classification: Uncertain significance for Rhabdoid tumor predisposition syndrome 2. Last evaluated: 2025-09-13. Review status: criteria provided, single submitter. Criteria: Invitae Variant Classification Sherloc (09022015). Collection method: clinical testing. Allele origin: germline.
Comment: This sequence change replaces aspartic acid, which is acidic and polar, with asparagine, which is neutral and polar, at codon 198 of the SMARCA4 protein (p.Asp198Asn). The frequency data for this variant in the population databases is considered unreliable, as metrics indicate poor data quality at this position in the gnomAD database. This variant has not been reported in the literature in individuals affected with SMARCA4-related conditions. ClinVar contains an entry for this variant (Variation ID: 1400903). Invitae Evidence Modeling of protein sequence and biophysical properties (such as structural, functional, and spatial information, amino acid conservation, physicochemical variation, residue mobility, and thermodynamic stability) has been performed for this missense variant. However, the output from this modeling did not meet the statistical confidence thresholds required to predict the impact of this variant on SMARCA4 protein function. In summary, the available evidence is currently insufficient to determine the role of this variant in disease. Therefore, it has been classified as a Variant of Uncertain Significance.

Ambry Genetics
Classification: Likely benign for Hereditary cancer-predisposing syndrome. Last evaluated: 2025-03-17. Review status: criteria provided, single submitter. Criteria: Ambry Variant Classification Scheme 2023. Collection method: clinical testing. Allele origin: germline.

NM_003072.5(SMARCA4):c.592G>A (p.Asp198Asn)

Gene: SMARCA4 (SWI/SNF related BAF chromatin remodeling complex subunit ATPase 4; plus strand). Cytogenetic location: 19p13.2.
Variant type: single nucleotide variant.
Coding change: c.592G>A on transcript NM_003072.5 (MANE Select); coding-DNA position 592, G replaced by A.
Protein change: p.Asp198Asn; replaces aspartic acid 198 with asparagine.
Molecular consequence: missense variant. On other transcripts: non-coding transcript variant (1).
Genome position (GRCh38, 1-based): chr19:10,986,425, G>A. VCF-style: chr19-10986425-G-A. GRCh37 (hg19) VCF-style: chr19-11097101-G-A.
Other names: c.592G>A, p.Asp198Asn (NM_001128844.3, NM_001128845.2, NM_001128846.2 and 5 more transcripts); short protein forms D198N.
Identifiers: ClinVar variation 1400903 (VCV001400903.11), dbSNP rs1195533596, ClinGen allele CA404056490.